The following is an entry in ClinVar:

ClinVar aggregate classification (germline): Likely pathogenic (1 of 4 stars; one submission).

Conditions:
Rare genetic deafness. Identifiers: Orphanet 96210, MedGen C5680250.

Submission:

Laboratory for Molecular Medicine, Mass General Brigham Personalized Medicine
Classification: Likely pathogenic for Rare genetic deafness. Last evaluated: 2017-06-22. Review status: criteria provided, single submitter. Criteria: LMM Criteria. Collection method: clinical testing. Allele origin: germline. Inheritance: Autosomal recessive inheritance. Observed: 3 variant alleles.
Comment: The variant was absent from large population databases. This variant results in the deletion of the last exon of LARS2, including part of the C-termi nal domain of the protein product as well as the 3' untranslated region of the g ene, and is predicted to result in an absent or truncated protein. Variants resu lting in a loss-of-function or partial function of the LARS2 protein have been r eported in individuals with Perrault syndrome (Pierce 2013), however additional studies are needed to establish the mechanism of disease. In summary, although a dditional studies are required to fully establish its clinical significance, the exon 22 deletion variant is likely pathogenic.

Literature cited by the submitters: PubMed 10684970; PubMed 21903180; PubMed 16155583; PubMed 17407269; PubMed 8917309; PubMed 16774921; PubMed 18155724; PubMed 15123417; PubMed 24413189; PubMed 23541342.

NM_015340.3(LARS2):c.(?_2533)-70_*(70_?)del

Gene: LARS2 (leucyl-tRNA synthetase 2, mitochondrial; plus strand). Cytogenetic location: 3p21.31.
Variant type: Deletion.
Identifiers: ClinVar variation 517278 (VCV000517278.4).